The following is an entry in ClinVar:

ClinVar aggregate classification (germline): Benign/Likely benign. Review status: criteria provided, multiple submitters, no conflicts (2 of 4 stars). 2 submissions from 2 submitters: Benign (1); Likely benign (1). Last evaluated 2025-04-30.

Conditions:
Tuberous sclerosis 2 (TSC2). Identifiers: Orphanet 805, MedGen C1860707, MONDO:0013199, OMIM 613254.
Hereditary cancer-predisposing syndrome. Also called: Hereditary Cancer Syndrome; Hereditary neoplastic syndrome; Tumor predisposition; Neoplastic Syndromes, Hereditary. Identifiers: Orphanet 140162, MedGen C0027672, MeSH D009386, MONDO:0015356.

gnomAD v4.1: 1 of 1,614,092 alleles (0.000062%); highest among the groups gnomAD compares: Non-Finnish European, 0.000085%; no homozygotes.

Submissions (2):

Myriad Genetics, Inc.
Classification: Benign for Tuberous sclerosis 2. Last evaluated: 2025-04-30. Review status: criteria provided, single submitter. Criteria: Myriad Autosomal Dominant, Autosomal Recessive and X-Linked Classification Criteria (2023). Collection method: clinical testing. Allele origin: unknown.
Comment: This variant is considered benign. This variant is a silent/synonymous amino acid change and it is not expected to impact splicing.

Ambry Genetics
Classification: Likely benign for Hereditary cancer-predisposing syndrome. Last evaluated: 2025-02-19. Review status: criteria provided, single submitter. Criteria: Ambry Variant Classification Scheme 2023. Collection method: clinical testing. Allele origin: germline.

NM_000548.5(TSC2):c.93A>G (p.Ala31=)

Gene: TSC2 (TSC complex subunit 2; plus strand). Cytogenetic location: 16p13.3.
Variant type: single nucleotide variant.
Coding change: c.93A>G on transcript NM_000548.5 (MANE Select); coding-DNA position 93, A replaced by G.
Protein change: p.Ala31=; no amino-acid change (alanine 31 retained).
Molecular consequence: synonymous variant. On other transcripts: 5 prime UTR variant (19), non-coding transcript variant (5), intron variant (6).
Genome position (GRCh38, 1-based): chr16:2,048,708, A>G. VCF-style: chr16-2048708-A-G. GRCh37 (hg19) VCF-style: chr16-2098709-A-G.
Other names: c.93A>G, p.Ala31= (NM_001406678.1, NM_001406668.1, NM_001406667.1 and 13 more transcripts); c.-724A>G (NM_001406680.1, NM_001406683.1, NM_001406687.1); c.-353A>G (NM_001406681.1); c.-134A>G (NM_001406682.1, NM_001406684.1, NM_001406685.1 and 2 more transcripts); c.-1339A>G (NM_001406689.1, NM_001406690.1, NM_001406691.1 and 2 more transcripts); c.-1645A>G (NM_001406693.1); c.-1220A>G (NM_001406694.1, NM_001406695.1); c.-1327A>G (NM_001406696.1); and 4 more.
Identifiers: ClinVar variation 3811362 (VCV003811362.2).